The following is an entry in ClinVar:

NM_022773.4(LMF1):c.1529+6A>G

Gene: LMF1 (lipase maturation factor 1; minus strand). Cytogenetic location: 16p13.3.
Variant type: single nucleotide variant.
Coding change: c.1529+6A>G on transcript NM_022773.4 (MANE Select); 6 bases into the intron after coding-DNA position 1529, A replaced by G.
Molecular consequence: intron variant.
Genome position (GRCh38, 1-based): chr16:868,938, T>C on the plus strand (A>G on the coding strand, the complement: LMF1 is on the minus strand). VCF-style: chr16-868938-T-C. GRCh37 (hg19) VCF-style: chr16-918938-T-C.
Other names: c.1202+6A>G (NM_001352019.2); c.878+6A>G (NM_001352017.2, NM_001352021.2); c.1130+6A>G (NM_001352018.2); c.1449+6A>G (NM_001352020.1).
Identifiers: ClinVar variation 2727118 (VCV002727118.1), dbSNP rs765586986, ClinGen allele CA7796938.

ClinVar aggregate classification (germline): Uncertain significance (1 of 4 stars; one submission).

Allele frequency attached by ClinVar (database versions not stated): gnomAD 0.00005; TOPMed 0.00006; ExAC 0.00011.
gnomAD v4.1: 76 of 1,584,730 alleles (0.0048%); highest among the groups gnomAD compares: Middle Eastern, 0.038%; no homozygotes.

Submission:

Labcorp Genetics (formerly Invitae), Labcorp
Classification: Uncertain significance. Last evaluated: 2024-01-11. Review status: criteria provided, single submitter. Criteria: Invitae Variant Classification Sherloc (09022015). Collection method: clinical testing. Allele origin: germline.
Comment: This sequence change falls in intron 10 of the LMF1 gene. It does not directly change the encoded amino acid sequence of the LMF1 protein. It affects a nucleotide within the consensus splice site. This variant is present in population databases (rs765586986, gnomAD 0.2%). This variant has not been reported in the literature in individuals affected with LMF1-related conditions. Variants that disrupt the consensus splice site are a relatively common cause of aberrant splicing (PMID: 17576681, 9536098). Algorithms developed to predict the effect of sequence changes on RNA splicing suggest that this variant is not likely to affect RNA splicing. In summary, the available evidence is currently insufficient to determine the role of this variant in disease. Therefore, it has been classified as a Variant of Uncertain Significance.

Literature cited by the submitters: PubMed 17576681; PubMed 9536098.